The following is an entry in ClinVar:

NM_005243.4(EWSR1):c.768A>G (p.Gln256=)

Gene: EWSR1 (EWS RNA binding protein 1; plus strand). Cytogenetic location: 22q12.2.
Variant type: single nucleotide variant.
Coding change: c.768A>G on transcript NM_005243.4 (MANE Select); coding-DNA position 768, A replaced by G.
Protein change: p.Gln256=; no amino-acid change (glutamine 256 retained).
Molecular consequence: synonymous variant.
Genome position (GRCh38, 1-based): chr22:29,287,109, A>G. VCF-style: chr22-29287109-A-G. GRCh37 (hg19) VCF-style: chr22-29683098-A-G.
Other names: c.768A>G, p.Gln256= (NM_001163285.2, NM_001163287.2); c.600A>G, p.Gln200= (NM_001163286.2); c.786A>G, p.Gln262= (NM_013986.4).
Identifiers: ClinVar variation 3048607 (VCV003048607.2), dbSNP rs187368856, ClinGen allele CA10171519.
Genomic context (GRCh38, chr22:29,287,109, plus strand): 5'-TCCCACTAGTTACCCACCCCAAACTGGATCCTACAGCCAAGCTCCAAGTCAATATAGCCA[A>G]CAGAGCAGCAGCTACGGGCAGCAGAGTGAGTTGCTAAGAGAGAAAACCAAATAAGAATGA-3'
Protein context (NP_005234.1, residues 246-266): SYSQAPSQYS[Gln256=]QSSSYGQQSS

ClinVar aggregate classification (germline): Benign (0 of 4 stars; one submission).

Conditions:
EWSR1-related disorder. Also called: EWSR1-related condition.

Allele frequency attached by ClinVar (database versions not stated): gnomAD 0.00037; gnomAD exomes 0.00042; TOPMed 0.00049; ExAC 0.00085; 1000 Genomes Project 0.00220; 1000 Genomes Project 30x 0.00250.
gnomAD v4.1: 674 of 1,614,096 alleles (0.042%); highest among the groups gnomAD compares: East Asian, 1.4%; 6 homozygotes.

Submission:

PreventionGenetics, part of Exact Sciences
Classification: Benign for EWSR1-related condition. Last evaluated: 2019-03-28. Review status: no assertion criteria provided. Collection method: clinical testing. Allele origin: germline.
Comment: This variant is classified as benign based on ACMG/AMP sequence variant interpretation guidelines (Richards et al. 2015 PMID: 25741868, with internal and published modifications).